The following is an entry in ClinVar:

ClinVar aggregate classification (germline): Benign/Likely benign. Review status: criteria provided, multiple submitters, no conflicts (2 of 4 stars). 2 submissions from 2 submitters: Benign (1); Likely benign (1). Last evaluated 2026-01-04.

Allele frequency attached by ClinVar (database versions not stated): TOPMed 0.00012; gnomAD 0.00014 and 0.00012; ESP Exome Variant Server 0.00015; ExAC 0.00006.
gnomAD v4.1: 42 of 1,594,788 alleles (0.0026%); highest among the groups gnomAD compares: African/African-American, 0.053%; no homozygotes.

Submissions (2):

Labcorp Genetics (formerly Invitae), Labcorp
Classification: Likely benign. Last evaluated: 2026-01-04. Review status: criteria provided, single submitter. Criteria: Invitae Variant Classification Sherloc (09022015). Collection method: clinical testing. Allele origin: germline.

Women's Health and Genetics/Laboratory Corporation of America, LabCorp
Classification: Benign. Last evaluated: 2020-01-20. Review status: criteria provided, single submitter. Criteria: LabCorp Variant Classification Summary - May 2015. Collection method: clinical testing. Allele origin: germline.
Comment: Variant summary: LZTR1 c.1449+18C>G alters a non-conserved nucleotide located close to a canonical splice site and therefore could affect mRNA splicing, leading to a significantly altered protein sequence. 4/4 computational tools predict no significant impact on normal splicing. However, these predictions have yet to be confirmed by functional studies. The variant allele was found at a frequency of 6.2e-05 in 243384 control chromosomes, predominantly at a frequency of 0.00069 within the African or African-American subpopulation in the gnomAD database. The observed variant frequency within African or African-American control individuals in the gnomAD database is approximately 138 fold of the estimated maximal expected allele frequency for a pathogenic variant in LZTR1 causing Noonan Syndrome and Related Conditions phenotype (5e-06), strongly suggesting that the variant is a benign polymorphism found primarily in populations of African or African-American origin. To our knowledge, no occurrence of c.1449+18C>G in individuals affected with Noonan Syndrome and Related Conditions and no experimental evidence demonstrating its impact on protein function have been reported. No clinical diagnostic laboratories have submitted clinical-significance assessments for this variant to ClinVar after 2014. Based on the evidence outlined above, the variant was classified as benign.

NM_006767.4(LZTR1):c.1449+18C>G

Gene: LZTR1 (leucine zipper like post translational regulator 1; plus strand). Cytogenetic location: 22q11.21.
Variant type: single nucleotide variant.
Coding change: c.1449+18C>G on transcript NM_006767.4 (MANE Select); 18 bases into the intron after coding-DNA position 1449, C replaced by G.
Molecular consequence: intron variant.
Genome position (GRCh38, 1-based): chr22:20,994,037, C>G. VCF-style: chr22-20994037-C-G. GRCh37 (hg19) VCF-style: chr22-21348326-C-G.
Identifiers: ClinVar variation 917581 (VCV000917581.8), dbSNP rs369921461, ClinGen allele CA10118896.